The following is an entry in ClinVar:

NM_001943.5(DSG2):c.2272G>A (p.Ala758Thr)

Genes: DSG2 (desmoglein 2; plus strand), DSG2-AS1 (DSG2 antisense RNA 1; minus strand). Cytogenetic location: 18q12.1.
Variant type: single nucleotide variant.
Coding change: c.2272G>A on transcript NM_001943.5 (MANE Select); coding-DNA position 2272, G replaced by A.
Protein change: p.Ala758Thr; replaces alanine 758 with threonine.
Molecular consequence: missense variant.
Genome position (GRCh38, 1-based): chr18:31,542,790, G>A. VCF-style: chr18-31542790-G-A. GRCh37 (hg19) VCF-style: chr18-29122753-G-A.
Other names: short protein forms A758T.
Identifiers: ClinVar variation 2767620 (VCV002767620.3), dbSNP rs2510920824, ClinGen allele CA402142906.

ClinVar aggregate classification (germline): Uncertain significance (1 of 4 stars; one submission).

Conditions:
Arrhythmogenic right ventricular dysplasia 10. Also called: Arrhythmogenic Right Ventricular Dysplasia/Cardiomyopathy10; ARRHYTHMOGENIC RIGHT VENTRICULAR DYSPLASIA, FAMILIAL, 10; Arrhythmogenic right ventricular dysplasia/cardiomyopathy, type 10. Identifiers: MedGen C1857777, MONDO:0012434, OMIM 610193.

Submission:

Labcorp Genetics (formerly Invitae), Labcorp
Classification: Uncertain significance for Arrhythmogenic right ventricular dysplasia 10. Last evaluated: 2023-10-11. Review status: criteria provided, single submitter. Criteria: Invitae Variant Classification Sherloc (09022015). Collection method: clinical testing. Allele origin: germline.
Comment: This sequence change replaces alanine, which is neutral and non-polar, with threonine, which is neutral and polar, at codon 758 of the DSG2 protein (p.Ala758Thr). This variant is not present in population databases (gnomAD no frequency). This variant has not been reported in the literature in individuals affected with DSG2-related conditions. Advanced modeling of protein sequence and biophysical properties (such as structural, functional, and spatial information, amino acid conservation, physicochemical variation, residue mobility, and thermodynamic stability) performed at Invitae indicates that this missense variant is not expected to disrupt DSG2 protein function. In summary, the available evidence is currently insufficient to determine the role of this variant in disease. Therefore, it has been classified as a Variant of Uncertain Significance.